The following is an entry in ClinVar:

ClinVar aggregate classification (germline): Conflicting classifications of pathogenicity. Review status: criteria provided, conflicting classifications (1 of 4 stars). 2 submissions from 2 submitters: Uncertain significance (1); Likely benign (1). Last evaluated 2024-05-25.

Allele frequency attached by ClinVar (database versions not stated): gnomAD exomes below 0.00001; TOPMed below 0.00001.
gnomAD v4.1: 1 of 1,603,212 alleles (0.000062%); highest among the groups gnomAD compares: Non-Finnish European, 0.000085%; no homozygotes.

Submissions (2):

Labcorp Genetics (formerly Invitae), Labcorp
Classification: Likely benign. Last evaluated: 2024-05-25. Review status: criteria provided, single submitter. Criteria: Invitae Variant Classification Sherloc (09022015). Collection method: clinical testing. Allele origin: germline.

GeneDx
Classification: Uncertain significance. Last evaluated: 2022-05-24. Review status: criteria provided, single submitter. Criteria: GeneDx Variant Classification Process June 2021. Collection method: clinical testing. Allele origin: germline. Affected: yes.
Comment: Not observed at significant frequency in large population cohorts (gnomAD); In silico analysis supports that this variant does not alter splicing; Has not been previously published as pathogenic or benign to our knowledge

NM_000478.6(ALPL):c.1503C>T (p.Ser501=)

Gene: ALPL (alkaline phosphatase, biomineralization associated; plus strand). Cytogenetic location: 1p36.12.
Variant type: single nucleotide variant.
Coding change: c.1503C>T on transcript NM_000478.6 (MANE Select); coding-DNA position 1503, C replaced by T.
Protein change: p.Ser501=; no amino-acid change (serine 501 retained).
Molecular consequence: synonymous variant.
Genome position (GRCh38, 1-based): chr1:21,577,576, C>T. VCF-style: chr1-21577576-C-T. GRCh37 (hg19) VCF-style: chr1-21904069-C-T.
Other names: c.1338C>T, p.Ser446= (NM_001127501.4); c.1272C>T, p.Ser424= (NM_001177520.3); c.1503C>T, p.Ser501= (NM_001369803.2, NM_001369804.2, NM_001369805.2).
Identifiers: ClinVar variation 1669692 (VCV001669692.9), dbSNP rs1644757548, ClinGen allele CA416677718.